The following is an entry in ClinVar:

ClinVar aggregate classification (germline): Uncertain significance (1 of 4 stars; one submission).

Submission:

Labcorp Genetics (formerly Invitae), Labcorp
Classification: Uncertain significance. Last evaluated: 2024-02-24. Review status: criteria provided, single submitter. Criteria: Invitae Variant Classification Sherloc (09022015). Collection method: clinical testing. Allele origin: germline.
Comment: This sequence change replaces alanine, which is neutral and non-polar, with threonine, which is neutral and polar, at codon 14 of the ASAH1 protein (p.Ala14Thr). This variant is not present in population databases (gnomAD no frequency). This variant has not been reported in the literature in individuals affected with ASAH1-related conditions. ClinVar contains an entry for this variant (Variation ID: 1382360). An algorithm developed to predict the effect of missense changes on protein structure and function (PolyPhen-2) suggests that this variant is likely to be tolerated. In summary, the available evidence is currently insufficient to determine the role of this variant in disease. Therefore, it has been classified as a Variant of Uncertain Significance.

NM_177924.5(ASAH1):c.40G>A (p.Ala14Thr)

Gene: ASAH1 (N-acylsphingosine amidohydrolase 1; minus strand). Cytogenetic location: 8p22.
Variant type: single nucleotide variant.
Coding change: c.40G>A on transcript NM_177924.5 (MANE Select); coding-DNA position 40, G replaced by A.
Protein change: p.Ala14Thr; replaces alanine 14 with threonine.
Molecular consequence: missense variant. On other transcripts: intron variant (2).
Genome position (GRCh38, 1-based): chr8:18,084,019, C>T on the plus strand (G>A on the coding strand, the complement: ASAH1 is on the minus strand). VCF-style: chr8-18084019-C-T. GRCh37 (hg19) VCF-style: chr8-17941528-C-T.
Other names: c.126+657G>A (NM_004315.6, NM_001127505.3); short protein forms A14T.
Identifiers: ClinVar variation 1382360 (VCV001382360.6), dbSNP rs2117107704, ClinGen allele CA370435811.